The following is an entry in ClinVar:

ClinVar aggregate classification (germline): Conflicting classifications of pathogenicity. Review status: criteria provided, conflicting classifications (1 of 4 stars). 3 submissions from 3 submitters: Uncertain significance (2); Likely benign (1). Last evaluated 2025-09-10.

Conditions:
Chuvash polycythemia. Also called: POLYCYTHEMIA, VHL-DEPENDENT. Identifiers: Orphanet 238557, MedGen C1837915, MONDO:0009892, OMIM 263400.
Von Hippel-Lindau syndrome (VHLS). Also called: Von Hippel-Lindau; von Hippel–Lindau syndrome; VHL syndrome. Identifiers: Orphanet 892, MedGen C0019562, MONDO:0008667, OMIM 193300. Disease mechanism: loss of function.

Submissions (3):

Genomic Medicine Center of Excellence, King Faisal Specialist Hospital and Research Centre
Classification: Uncertain significance for Chuvash polycythemia. Last evaluated: 2025-09-10. Review status: criteria provided, single submitter. Criteria: ACMG Guidelines, 2015. Collection method: clinical testing. Allele origin: germline.

Myriad Genetics, Inc.
Classification: Likely benign for Von Hippel-Lindau syndrome. Last evaluated: 2025-06-11. Review status: criteria provided, single submitter. Criteria: Myriad Autosomal Dominant, Autosomal Recessive and X-Linked Classification Criteria (2023). Collection method: clinical testing. Allele origin: unknown.
Comment: This variant is considered likely benign. This variant is intronic and is not expected to impact mRNA splicing.

Labcorp Genetics (formerly Invitae), Labcorp
Classification: Uncertain significance for Von Hippel-Lindau syndrome; Chuvash polycythemia. Last evaluated: 2025-05-06. Review status: criteria provided, single submitter. Criteria: Invitae Variant Classification Sherloc (09022015). Collection method: clinical testing. Allele origin: germline.
Comment: This sequence change falls in intron 1 of the VHL gene. It does not directly change the encoded amino acid sequence of the VHL protein. It affects a nucleotide within the consensus splice site. This variant is not present in population databases (gnomAD no frequency). This variant has not been reported in the literature in individuals affected with VHL-related conditions. Variants that disrupt the consensus splice site are a relatively common cause of aberrant splicing (PMID: 17576681, 9536098). Algorithms developed to predict the effect of sequence changes on RNA splicing suggest that this variant is not likely to affect RNA splicing. In summary, the available evidence is currently insufficient to determine the role of this variant in disease. Therefore, it has been classified as a Variant of Uncertain Significance.

Literature cited by the submitters: PubMed 17576681 (cited by Labcorp Genetics (formerly Invitae), Labcorp); PubMed 9536098 (cited by Labcorp Genetics (formerly Invitae), Labcorp).

NM_000551.4(VHL):c.341-3T>C

Genes: VHL (von Hippel-Lindau tumor suppressor; plus strand), LOC107303340 (3p25 von Hippel-Lindau tumor suppressor, E3 ubiquitin protein ligase Alu-mediated recombination region; plus strand). Cytogenetic location: 3p25.3.
Variant type: single nucleotide variant.
Coding change: c.341-3T>C on transcript NM_000551.4 (MANE Select); 3 bases into the intron before coding-DNA position 341, T replaced by C.
Molecular consequence: intron variant.
Genome position (GRCh38, 1-based): chr3:10,146,511, T>C. VCF-style: chr3-10146511-T-C. GRCh37 (hg19) VCF-style: chr3-10188195-T-C.
Other names: c.*18-3276T>C (NM_001354723.2); c.341-3276T>C (NM_198156.3).
Identifiers: ClinVar variation 4071155 (VCV004071155.2).